The following is an entry in ClinVar:

ClinVar aggregate classification (germline): Uncertain significance (1 of 4 stars; one submission).

Conditions:
Hereditary nonpolyposis colorectal neoplasms. Identifiers: MedGen C0009405, MeSH D003123.

Submission:

Labcorp Genetics (formerly Invitae), Labcorp
Classification: Uncertain significance for Hereditary nonpolyposis colorectal neoplasms. Last evaluated: 2022-12-01. Review status: criteria provided, single submitter. Criteria: Invitae Variant Classification Sherloc (09022015). Collection method: clinical testing. Allele origin: germline.
Comment: This variant has not been reported in the literature in individuals affected with MSH6-related conditions. In summary, the available evidence is currently insufficient to determine the role of this variant in disease. Therefore, it has been classified as a Variant of Uncertain Significance. Advanced modeling of protein sequence and biophysical properties (such as structural, functional, and spatial information, amino acid conservation, physicochemical variation, residue mobility, and thermodynamic stability) performed at Invitae indicates that this missense variant is expected to disrupt MSH6 protein function. ClinVar contains an entry for this variant (Variation ID: 1720383). This variant is not present in population databases (gnomAD no frequency). This sequence change replaces tyrosine, which is neutral and polar, with aspartic acid, which is acidic and polar, at codon 1249 of the MSH6 protein (p.Tyr1249Asp).

NM_000179.3(MSH6):c.3745T>G (p.Tyr1249Asp)

Gene: MSH6 (mutS homolog 6; plus strand). Cytogenetic location: 2p16.3.
Variant type: single nucleotide variant.
Coding change: c.3745T>G on transcript NM_000179.3 (MANE Select); coding-DNA position 3745, T replaced by G.
Protein change: p.Tyr1249Asp; replaces tyrosine 1249 with aspartic acid.
Molecular consequence: missense variant.
Genome position (GRCh38, 1-based): chr2:47,806,302, T>G. VCF-style: chr2-47806302-T-G. GRCh37 (hg19) VCF-style: chr2-48033441-T-G.
Other names: c.3355T>G, p.Tyr1119Asp (NM_001281492.2); c.2839T>G, p.Tyr947Asp (NM_001281493.2, NM_001281494.2, NM_001406811.1 and 6 more transcripts); c.3841T>G, p.Tyr1281Asp (NM_001406795.1, NM_001406802.1); c.3745T>G, p.Tyr1249Asp (NM_001406796.1, NM_001406800.1, NM_001406808.1 and 1 more transcripts); c.3448T>G, p.Tyr1150Asp (NM_001406797.1, NM_001406801.1, NM_001406805.1 and 10 more transcripts); c.3571T>G, p.Tyr1191Asp (NM_001406798.1); c.3220T>G, p.Tyr1074Asp (NM_001406799.1, NM_001406806.1, NM_001406807.1); c.2881T>G, p.Tyr961Asp (NM_001406803.1); and 7 more; short protein forms Y1074D, Y1119D, Y1150D, Y1191D, Y1193D, Y1223D, Y1249D, Y1251D.
Identifiers: ClinVar variation 1720383 (VCV001720383.6), dbSNP rs2104543387, ClinGen allele CA346761064.